The following is an entry in ClinVar:

NM_003289.4(TPM2):c.625G>A (p.Ala209Thr)

Gene: TPM2 (tropomyosin 2; minus strand). Cytogenetic location: 9p13.3.
Variant type: single nucleotide variant.
Coding change: c.625G>A on transcript NM_003289.4 (MANE Select); coding-DNA position 625, G replaced by A.
Protein change: p.Ala209Thr; replaces alanine 209 with threonine.
Molecular consequence: missense variant. On other transcripts: intron variant (2).
Genome position (GRCh38, 1-based): chr9:35,684,746, C>T on the plus strand (G>A on the coding strand, the complement: TPM2 is on the minus strand). VCF-style: chr9-35684746-C-T. GRCh37 (hg19) VCF-style: chr9-35684743-C-T.
Other names: c.625G>A, p.Ala209Thr (NM_001301226.2); c.640-196G>A (NM_213674.1, NM_001301227.2); short protein forms A209T.
Identifiers: ClinVar variation 4686222 (VCV004686222.1).
Genomic context (GRCh38, chr9:35,684,746, plus strand): 5'-CTCCCCTGTGGGACCCCATCCTCACTGCCCCTCTGCTCCCCTCTACCTTGTCCGCCTGGG[C>T]CTCCAGGGATTTCAAGTTGTTGGTAACAATTTTCAGCTCCTCCTCTAGGTCCCCACATTT-3'
Protein context (NP_003280.2, residues 199-219): IVTNNLKSLE[Ala209Thr]QADKYSTKED

ClinVar aggregate classification (germline): Uncertain significance (1 of 4 stars; one submission).

Submission:

GeneDx
Classification: Uncertain significance. Last evaluated: 2025-07-13. Review status: criteria provided, single submitter. Criteria: GeneDx Variant Classification Process June 2021. Collection method: clinical testing. Allele origin: germline. Affected: yes.
Comment: Not observed at significant frequency in large population cohorts (gnomAD); Missense variants in this gene are a common cause of disease and they are underrepresented in the general population; In silico analysis supports that this missense variant has a deleterious effect on protein structure/function; Has not been previously published as pathogenic or benign to our knowledge